The following is an entry in ClinVar:

ClinVar aggregate classification (germline): Benign/Likely benign. Review status: criteria provided, multiple submitters, no conflicts (2 of 4 stars). 4 submissions from 4 submitters: Benign (1); Likely benign (3). Last evaluated 2025-11-13.

Conditions:
Hereditary cancer-predisposing syndrome. Also called: Tumor predisposition; Hereditary Cancer Syndrome; Hereditary neoplastic syndrome; Neoplastic Syndromes, Hereditary. Identifiers: Orphanet 140162, MedGen C0027672, MeSH D009386, MONDO:0015356.

Allele frequency attached by ClinVar (database versions not stated): ExAC 0.00001; gnomAD exomes 0.00001 and 0.00002; TOPMed 0.00001; ESP Exome Variant Server 0.00008.
gnomAD v4.1: 12 of 1,613,740 alleles (0.00074%); highest among the groups gnomAD compares: African/African-American, 0.0027%; no homozygotes.

Submissions (4):

Mayo Clinic Laboratories, Mayo Clinic
Classification: Likely benign. Last evaluated: 2025-11-13. Review status: criteria provided, single submitter. Criteria: ACMG Guidelines, 2015. Collection method: clinical testing. Allele origin: germline. Observed: 1 variant allele.
Comment: BP4, BP7

Women's Health and Genetics/Laboratory Corporation of America, LabCorp
Classification: Likely benign. Last evaluated: 2024-05-09. Review status: criteria provided, single submitter. Criteria: LabCorp Variant Classification Summary - May 2015. Collection method: clinical testing. Allele origin: germline.
Comment: Variant summary: BRCA1 c.*20C>T is located in the untranslated mRNA region downstream of the termination codon. Consensus agreement among computation tools predict no significant impact on normal splicing. However, these predictions have yet to be confirmed by functional studies. The variant allele was found at a frequency of 8.2e-06 in 1455686 control chromosomes (gnomAD v4.1). In addition, the variant was reported in 2/ 7325 European American women, who were older than age 70 and have never had cancer (in the FLOSSIES database). To our knowledge, no occurrence of c.*20C>T in individuals affected with Hereditary Breast And Ovarian Cancer Syndrome and no experimental evidence demonstrating its impact on protein function have been reported. ClinVar contains an entry for this variant (Variation ID: 182099). Based on the evidence outlined above, the variant was classified as likely benign.

Color Diagnostics, LLC DBA Color Health
Classification: Likely benign for Hereditary cancer-predisposing syndrome. Last evaluated: 2017-11-10. Review status: criteria provided, single submitter. Criteria: ACMG Guidelines, 2015. Collection method: clinical testing. Allele origin: germline.

GeneDx
Classification: Benign. Last evaluated: 2014-10-07. Review status: criteria provided, single submitter. Criteria: GeneDx Variant Classification (06012015). Collection method: clinical testing. Allele origin: germline. Affected: yes.
Comment: This variant is considered likely benign or benign based on one or more of the following criteria: it is a conservative change, it occurs at a poorly conserved position in the protein, it is predicted to be benign by multiple in silico algorithms, and/or has population frequency not consistent with disease.

NM_007294.4(BRCA1):c.*20C>T

Gene: BRCA1 (BRCA1 DNA repair associated; minus strand). Cytogenetic location: 17q21.31.
Variant type: single nucleotide variant.
Coding change: c.*20C>T on transcript NM_007294.4 (MANE Select); 20 bases downstream of the stop codon, C replaced by T.
Molecular consequence: 3 prime UTR variant. On other transcripts: non-coding transcript variant (1).
Genome position (GRCh38, 1-based): chr17:43,045,658, G>A on the plus strand (C>T on the coding strand, the complement: BRCA1 is on the minus strand). VCF-style: chr17-43045658-G-A. GRCh37 (hg19) VCF-style: chr17-41197675-G-A.
Other names: c.*20C>T (NM_001408424.1, NM_001408442.1, NM_001408445.1 and 348 more transcripts); c.*126C>T (NM_001407854.1, NM_001407858.1, NM_001407859.1 and 14 more transcripts).
Identifiers: ClinVar variation 182099 (VCV000182099.11), dbSNP rs375042815, ClinGen allele CA001389.